The following is an entry in ClinVar:

NM_000458.4(HNF1B):c.1634_1636del (p.Asn545del)

Gene: HNF1B (HNF1 homeobox B; minus strand). Cytogenetic location: 17q12.
Variant type: Deletion.
Coding change: c.1634_1636del on transcript NM_000458.4 (MANE Select); coding-DNA positions 1634 to 1636, 3 bases deleted (ACA; older notation c.1634_1636delACA).
Protein change: p.Asn545del; deletes asparagine 545.
Molecular consequence: intron variant (on NM_001304286.2).
Genome position (GRCh38, 1-based): chr17:37,699,093-37,699,095, TGT deleted on the plus strand (ACA on the coding strand, the reverse complement: HNF1B is on the minus strand); deleting any 3 consecutive bases within chr17:37,699,093-37,699,097 gives the same sequence; the c. name uses the placement nearest the transcript's 3' end. VCF-style (leftmost placement, unchanged base first): chr17-37699092-ATGT-A. GRCh37 (hg19) VCF-style: chr17-36059098-ATGT-A.
Other names: c.1556_1558del, p.Asn519del (NM_001165923.4); c.1261+5822_1261+5824del (NM_001304286.2); c.1534+1888_1534+1890del (NM_001411100.1); short protein forms N519del, N545del.
Identifiers: ClinVar variation 3714876 (VCV003714876.2).
Genomic context (GRCh38, chr17:37,699,092, plus strand): 5'-CACCCTGCCCACACCCCAACCCCCGCAAATCCTGCTGGCATTACCTGTTTACTTGAAGAC[ATGT>A]TGGTGAGTGTACTGATGCTGCTGGTATCTGTGACCACCATTGCAGATGGAAACCGGGAGG-3'

ClinVar aggregate classification (germline): Uncertain significance (1 of 4 stars; one submission).

Submission:

Labcorp Genetics (formerly Invitae), Labcorp
Classification: Uncertain significance. Last evaluated: 2024-09-18. Review status: criteria provided, single submitter. Criteria: Invitae Variant Classification Sherloc (09022015). Collection method: clinical testing. Allele origin: germline.
Comment: This variant, c.1634_1636del, results in the deletion of 1 amino acid(s) of the HNF1B protein (p.Asn545del), but otherwise preserves the integrity of the reading frame. This variant is not present in population databases (gnomAD no frequency). This variant has not been reported in the literature in individuals affected with HNF1B-related conditions. Experimental studies and prediction algorithms are not available or were not evaluated, and the functional significance of this variant is currently unknown. In summary, the available evidence is currently insufficient to determine the role of this variant in disease. Therefore, it has been classified as a Variant of Uncertain Significance.